The following is an entry in ClinVar:

ClinVar aggregate classification (germline): Uncertain significance (0 of 4 stars; one submission).

Conditions:
NRP1-related disorder. Also called: NRP1-related condition.

Submission:

PreventionGenetics, part of Exact Sciences
Classification: Uncertain significance for NRP1-related condition. Last evaluated: 2024-04-10. Review status: no assertion criteria provided. Collection method: clinical testing. Allele origin: germline.
Comment: The NRP1 c.1633_1635delAAC variant is predicted to result in an in-frame deletion (p.Asn545del). To our knowledge, this variant has not been reported in the literature or in a large population database, indicating this variant is rare. At this time, the clinical significance of this variant is uncertain due to the absence of conclusive functional and genetic evidence.

NM_003873.7(NRP1):c.1627AAC[2] (p.Asn545del)

Gene: NRP1 (neuropilin 1; minus strand). Cytogenetic location: 10p11.22.
Variant type: Microsatellite.
Coding change: c.1627AAC[2] on transcript NM_003873.7 (MANE Select); two copies in a row of the 3-base unit AAC starting at c.1627; the reference has three copies in a row; one copy, 3 bases deleted.
Protein change: p.Asn545del; deletes asparagine 545.
Molecular consequence: inframe deletion. On other transcripts: non-coding transcript variant (1).
Genome position (GRCh38, 1-based): chr10:33,207,696-33,207,698, GTT deleted on the plus strand (AAC on the coding strand, the reverse complement: NRP1 is on the minus strand); deleting any 3 consecutive bases within chr10:33,207,696-33,207,705 gives the same sequence; the position shown is the placement nearest the transcript's 3' end. VCF-style (leftmost placement, unchanged base first): chr10-33207695-AGTT-A. GRCh37 (hg19) VCF-style: chr10-33496623-AGTT-A.
Other names: c.1627AAC[2], p.Asn545del (NM_001024628.3, NM_001024629.3, NM_001244972.2 and 2 more transcripts); short protein forms N545del.
Identifiers: ClinVar variation 3347879 (VCV003347879.1).